The following is an entry in ClinVar:

NM_000066.4(C8B):c.928A>T (p.Ser310Cys)

Gene: C8B (complement C8 beta chain; minus strand). Cytogenetic location: 1p32.2.
Variant type: single nucleotide variant.
Coding change: c.928A>T on transcript NM_000066.4 (MANE Select); coding-DNA position 928, A replaced by T.
Protein change: p.Ser310Cys; replaces serine 310 with cysteine.
Molecular consequence: missense variant.
Genome position (GRCh38, 1-based): chr1:56,945,998, T>A on the plus strand (A>T on the coding strand, the complement: C8B is on the minus strand). VCF-style: chr1-56945998-T-A. GRCh37 (hg19) VCF-style: chr1-57411671-T-A.
Other names: c.772A>T, p.Ser258Cys (NM_001278543.2); c.742A>T, p.Ser248Cys (NM_001278544.2); short protein forms S248C, S258C, S310C.
Identifiers: ClinVar variation 1431217 (VCV001431217.4), dbSNP rs371944655, ClinGen allele CA875807.

ClinVar aggregate classification (germline): Uncertain significance. Review status: criteria provided, multiple submitters, no conflicts (2 of 4 stars). 2 submissions from 2 submitters: Uncertain significance (2). Last evaluated 2026-04-07.

Allele frequency attached by ClinVar (database versions not stated): ExAC 0.00001; gnomAD exomes 0.00001; gnomAD 0.00002; ESP Exome Variant Server 0.00008.
gnomAD v4.1: 11 of 1,614,036 alleles (0.00068%); highest among the groups gnomAD compares: African/African-American, 0.0013%; no homozygotes.

Submissions (2):

Women's Health and Genetics/Laboratory Corporation of America, LabCorp
Classification: Uncertain significance. Last evaluated: 2026-04-07. Review status: criteria provided, single submitter. Criteria: LabCorp Variant Classification Summary - May 2015. Collection method: clinical testing. Allele origin: germline.

Labcorp Genetics (formerly Invitae), Labcorp
Classification: Uncertain significance. Last evaluated: 2022-10-13. Review status: criteria provided, single submitter. Criteria: Invitae Variant Classification Sherloc (09022015). Collection method: clinical testing. Allele origin: germline.
Comment: This sequence change replaces serine, which is neutral and polar, with cysteine, which is neutral and slightly polar, at codon 310 of the C8B protein (p.Ser310Cys). This variant is present in population databases (rs371944655, gnomAD 0.004%). This variant has not been reported in the literature in individuals affected with C8B-related conditions. ClinVar contains an entry for this variant (Variation ID: 1431217). Algorithms developed to predict the effect of missense changes on protein structure and function are either unavailable or do not agree on the potential impact of this missense change (SIFT: "Tolerated"; PolyPhen-2: "Possibly Damaging"; Align-GVGD: "Class C0"). In summary, the available evidence is currently insufficient to determine the role of this variant in disease. Therefore, it has been classified as a Variant of Uncertain Significance.